The following is an entry in ClinVar:

ClinVar aggregate classification (germline): Uncertain significance (1 of 4 stars; one submission).

Conditions:
RASopathy. Also called: Noonan spectrum disorder; rasopathies. Identifiers: Orphanet 536391, MedGen C5555857, MONDO:0021060.

Submission:

Labcorp Genetics (formerly Invitae), Labcorp
Classification: Uncertain significance for RASopathy. Last evaluated: 2022-02-19. Review status: criteria provided, single submitter. Criteria: Invitae Variant Classification Sherloc (09022015). Collection method: clinical testing. Allele origin: germline.
Comment: Advanced modeling of protein sequence and biophysical properties (such as structural, functional, and spatial information, amino acid conservation, physicochemical variation, residue mobility, and thermodynamic stability) performed at Invitae indicates that this missense variant is not expected to disrupt BRAF protein function. This variant has not been reported in the literature in individuals affected with BRAF-related conditions. This variant is not present in population databases (gnomAD no frequency). This sequence change replaces glutamic acid, which is acidic and polar, with glutamine, which is neutral and polar, at codon 351 of the BRAF protein (p.Glu351Gln). In summary, the available evidence is currently insufficient to determine the role of this variant in disease. Therefore, it has been classified as a Variant of Uncertain Significance.

NM_004333.6(BRAF):c.1051G>C (p.Glu351Gln)

Genes: BRAF (B-Raf proto-oncogene, serine/threonine kinase; minus strand), LOC126860202 (BRD4-independent group 4 enhancer GRCh37_chr7:140493623-140494822; plus strand). Cytogenetic location: 7q34.
Variant type: single nucleotide variant.
Coding change: c.1051G>C on transcript NM_004333.6 (MANE Select); coding-DNA position 1051, G replaced by C.
Protein change: p.Glu351Gln; replaces glutamic acid 351 with glutamine.
Molecular consequence: missense variant.
Genome position (GRCh38, 1-based): chr7:140,794,397, C>G on the plus strand (G>C on the coding strand, the complement: BRAF is on the minus strand). VCF-style: chr7-140794397-C-G. GRCh37 (hg19) VCF-style: chr7-140494197-C-G.
Other names: c.1051G>C, p.Glu351Gln (NM_001354609.2, NM_001374244.1, NM_001374258.1 and 4 more transcripts); c.1060G>C, p.Glu354Gln (NM_001378467.1); c.949G>C, p.Glu317Gln (NM_001378470.1); c.895G>C, p.Glu299Gln (NM_001378472.1, NM_001378473.1); c.787G>C, p.Glu263Gln (NM_001378475.1); short protein forms E263Q, E299Q, E317Q, E351Q, E354Q.
Identifiers: ClinVar variation 1349704 (VCV001349704.8), dbSNP rs2129038019, ClinGen allele CA369589872.